The following is an entry in ClinVar:

ClinVar aggregate classification (germline): Conflicting classifications of pathogenicity. Review status: criteria provided, conflicting classifications (1 of 4 stars). 7 submissions from 7 submitters: Pathogenic (2); Likely pathogenic (3); Uncertain significance (2). Last evaluated 2025-09-02.

Conditions:
NF1-related disorder. Also called: NF1-related condition. Identifiers: MedGen CN379171.
Hereditary cancer-predisposing syndrome. Also called: Tumor predisposition; Hereditary Cancer Syndrome; Neoplastic Syndromes, Hereditary; Hereditary neoplastic syndrome. Identifiers: Orphanet 140162, MedGen C0027672, MeSH D009386, MONDO:0015356.
Cardiovascular phenotype. Identifiers: MedGen CN230736.
Neurofibromatosis, type 1 (NF1). Also called: NEUROFIBROMATOSIS, TYPE I, SOMATIC; Peripheral type neurofibromatosis; Neurofibromatosis, type I; VON RECKLINGHAUSEN DISEASE. Identifiers: Orphanet 636, MedGen C0027831, MONDO:0018975, OMIM 162200. Disease mechanism: loss of function.

Submissions (7):

Labcorp Genetics (formerly Invitae), Labcorp
Classification: Pathogenic for Neurofibromatosis, type 1. Last evaluated: 2025-09-02. Review status: criteria provided, single submitter. Criteria: Invitae Variant Classification Sherloc (09022015). Collection method: clinical testing. Allele origin: germline.
Comment: This sequence change falls in intron 41 of the NF1 gene. It does not directly change the encoded amino acid sequence of the NF1 protein. RNA analysis indicates that this variant induces altered splicing and may result in an absent or altered protein product. This variant is not present in population databases (gnomAD no frequency). This variant has been observed in individual(s) with neurofibromatosis type 1 (PMID: 17311297, 37751797). In at least one individual the variant was observed to be de novo. ClinVar contains an entry for this variant (Variation ID: 488818). Variants that disrupt the consensus splice site are a relatively common cause of aberrant splicing (PMID: 17576681, 9536098). Studies have shown that this variant results in skipping of exon 42 or part of exon 42, and produces a non-functional protein and/or introduces a premature termination codon (PMID: 17311297, 32126153). For these reasons, this variant has been classified as Pathogenic.

Women's Health and Genetics/Laboratory Corporation of America, LabCorp
Classification: Likely pathogenic for Neurofibromatosis, type 1. Last evaluated: 2024-12-13. Review status: criteria provided, single submitter. Criteria: LabCorp Variant Classification Summary - May 2015. Collection method: clinical testing. Allele origin: germline.
Comment: Variant summary: NF1 c.6365-3C>A alters a conserved nucleotide located close to a canonical splice site and therefore could affect mRNA splicing, leading to a significantly altered protein sequence. Several computational tools predict a significant impact on normal splicing: Four predict the variant weakens a 3' acceptor site. At least one publication reports experimental evidence that this variant affects mRNA splicing in vitro, suggesting partial or complete skipping of exon 42, however the proportion of remaining wild type transcript species was not specified thus obscuring the biological significance of these data (example, Wimmer_2007, Wimmer_2020). The variant was absent in 251068 control chromosomes. c.6365-3C>A has been reported in the literature in the heterozygous state at least 2 individuals affected with Neurofibromatosis Type 1 (example, Wimmer_2007, Wimmer_2020, Martorana_2023), including at least 1 individual who carried this variant de novo without confirmation of maternity and paternity. These data indicate that the variant may be associated with disease. The following publications have been ascertained in the context of this evaluation (PMID: 17311297, 32126153). ClinVar contains an entry for this variant (Variation ID: 488818). Based on the evidence outlined above, the variant was classified as likely pathogenic.

Ambry Genetics
Classification: Uncertain significance for Cardiovascular phenotype; Hereditary cancer-predisposing syndrome. Last evaluated: 2024-08-22. Review status: criteria provided, single submitter. Criteria: Ambry Variant Classification Scheme 2023. Collection method: clinical testing. Allele origin: germline.
Comment: The c.6365-3C>A intronic variant results from a C to A substitution 3 nucleotides upstream from coding exon 42 in the NF1 gene. This variant has been observed in at least one individual with a personal and/or family history that is consistent with neurofibromatosis type 1 (Wimmer K et al. Hum Mutat, 2007 Jun;28:599-612). RNA studies reported that this alteration results in a splice defect; however details were limited (Wimmer K et al. Hum Mutat, 2007 Jun;28:599-612). This nucleotide position is well conserved in available vertebrate species. In silico splice site analysis for this alteration is inconclusive. Based on the available evidence, the clinical significance of this variant remains unclear.

Blueprint Genetics
Classification: Likely pathogenic for NF1-related disorders. Last evaluated: 2023-06-07. Review status: criteria provided, single submitter. Criteria: ACMG Guidelines, 2015. Collection method: clinical testing. Allele origin: germline. Affected: yes. Observed: 1 variant allele.

Medical Genetics, University of Parma
Classification: Likely pathogenic for Neurofibromatosis, type 1. Last evaluated: 2022-08-17. Review status: criteria provided, single submitter. Criteria: ACMG Guidelines, 2015. Collection method: clinical testing. Allele origin: germline. Inheritance: Autosomal dominant inheritance. Affected: yes.

Institute of Human Genetics, Medical University Innsbruck
Classification: Pathogenic for Neurofibromatosis, type 1. Last evaluated: 2020-01-20. Review status: criteria provided, single submitter. Criteria: ACMG Guidelines, 2015. Collection method: clinical testing. Allele origin: germline. Affected: yes.

GeneDx
Classification: Uncertain significance. Last evaluated: 2017-11-27. Review status: criteria provided, single submitter. Criteria: GeneDx Variant Classification (06012015). Collection method: clinical testing. Allele origin: germline. Affected: yes.
Comment: The c.6365-3 C>A variant has been published previously in association with neurofibromatosis type 1 (Wimmer et al., 2007). The variant is not observed in large population cohorts (Lek et al., 2016). Several in silico splice prediction models predict that c.6365-3 C>A damages the natural acceptor site and leads to abnormal gene splicing. However, in the absence of RNA/functional studies, the actual effect of this sequence change in this individual is unknown. Therefore, based on the currently available information, it is unclear whether this variant is a pathogenic variant or a rare benign variant.

Literature cited by the submitters: PubMed 17311297 (cited by 3 submitters); PubMed 37751797 (cited by Labcorp Genetics (formerly Invitae), Labcorp and Women's Health and Genetics/Laboratory Corporation of America, LabCorp); PubMed 17576681 (cited by Labcorp Genetics (formerly Invitae), Labcorp); PubMed 9536098 (cited by Labcorp Genetics (formerly Invitae), Labcorp); PubMed 32126153 (cited by Labcorp Genetics (formerly Invitae), Labcorp and Women's Health and Genetics/Laboratory Corporation of America, LabCorp); DOI 10.1002/humu.24005 (cited by Institute of Human Genetics, Medical University Innsbruck).

NM_001042492.3(NF1):c.6428-3C>A

Gene: NF1 (neurofibromin 1; plus strand). Cytogenetic location: 17q11.2.
Variant type: single nucleotide variant.
Coding change: c.6428-3C>A on transcript NM_001042492.3 (MANE Select); 3 bases into the intron before coding-DNA position 6428, C replaced by A.
Molecular consequence: intron variant.
Genome position (GRCh38, 1-based): chr17:31,337,365, C>A. VCF-style: chr17-31337365-C-A. GRCh37 (hg19) VCF-style: chr17-29664383-C-A.
Other names: c.6365-3C>A (NM_000267.4).
Identifiers: ClinVar variation 488818 (VCV000488818.15), dbSNP rs374014162, ClinGen allele CA658684019.